The following is an entry in ClinVar:

ClinVar aggregate classification (germline): Uncertain significance (1 of 4 stars; one submission).

Submission:

GeneDx
Classification: Uncertain significance. Last evaluated: 2022-10-26. Review status: criteria provided, single submitter. Criteria: GeneDx Variant Classification Process June 2021. Collection method: clinical testing. Allele origin: germline. Affected: yes.
Comment: Not observed at significant frequency in large population cohorts (gnomAD); In silico analysis supports that this missense variant does not alter protein structure/function; Has not been previously published as pathogenic or benign to our knowledge

NM_016333.4(SRRM2):c.2236A>G (p.Ser746Gly)

Gene: SRRM2 (serine/arginine repetitive matrix 2; plus strand). Cytogenetic location: 16p13.3.
Variant type: single nucleotide variant.
Coding change: c.2236A>G on transcript NM_016333.4 (MANE Select); coding-DNA position 2236, A replaced by G.
Protein change: p.Ser746Gly; replaces serine 746 with glycine.
Molecular consequence: missense variant.
Genome position (GRCh38, 1-based): chr16:2,762,764, A>G. VCF-style: chr16-2762764-A-G. GRCh37 (hg19) VCF-style: chr16-2812765-A-G.
Other names: short protein forms S746G.
Identifiers: ClinVar variation 2500507 (VCV002500507.1), dbSNP rs2068403677, ClinGen allele CA394410844.